The following is an entry in ClinVar:

NM_000116.5(TAFAZZIN):c.230A>G (p.His77Arg)

Gene: TAFAZZIN (tafazzin, phospholipid-lysophospholipid transacylase; plus strand). Cytogenetic location: Xq28.
Variant type: single nucleotide variant.
Coding change: c.230A>G on transcript NM_000116.5 (MANE Select); coding-DNA position 230, A replaced by G.
Protein change: p.His77Arg; replaces histidine 77 with arginine.
Molecular consequence: missense variant. On other transcripts: non-coding transcript variant (1).
Genome position (GRCh38, 1-based): chrX:154,412,206, A>G. VCF-style: chrX-154412206-A-G. GRCh37 (hg19) VCF-style: chrX-153640543-A-G.
Other names: p.H77R:CAT>CGT; c.284A>G, p.His95Arg (NM_001303465.2); c.230A>G, p.His77Arg (NM_181311.4, NM_181312.4, NM_181313.4); short protein forms H77R, H95R.
Identifiers: ClinVar variation 202099 (VCV000202099.5), dbSNP rs794729173, ClinGen allele CA308812.
Genomic context (GRCh38, chrX:154,412,206, plus strand): 5'-GAGGCCCGGCCACGCCCCTCATCACCGTGTCCAATCACCAGTCCTGCATGGACGACCCTC[A>G]TCTCTGGGGTACCCGGGCCAGTGTGCTGGGCAGGGGGAGGAAAGGCGAGGATTCGGGACG-3'
Protein context (NP_000107.1, residues 67-87): SNHQSCMDDP[His77Arg]LWGILKLRHI

ClinVar aggregate classification (germline): Conflicting classifications of pathogenicity. Review status: criteria provided, conflicting classifications (1 of 4 stars). 2 submissions from 2 submitters: Likely pathogenic (1); Uncertain significance (1). Last evaluated 2023-03-22.

Conditions:
3-Methylglutaconic aciduria type 2 (BTHS). Also called: CARDIOSKELETAL MYOPATHY WITH NEUTROPENIA AND ABNORMAL MITOCHONDRIA; Barth syndrome. Identifiers: Orphanet 111, MedGen C0574083, MONDO:0010543, OMIM 302060.

Submissions (2):

Labcorp Genetics (formerly Invitae), Labcorp
Classification: Uncertain significance for 3-Methylglutaconic aciduria type 2. Last evaluated: 2023-03-22. Review status: criteria provided, single submitter. Criteria: Invitae Variant Classification Sherloc (09022015). Collection method: clinical testing. Allele origin: germline.
Comment: This sequence change replaces histidine, which is basic and polar, with arginine, which is basic and polar, at codon 77 of the TAZ protein (p.His77Arg). This variant is not present in population databases (gnomAD no frequency). This variant has not been reported in the literature in individuals affected with TAZ-related conditions. ClinVar contains an entry for this variant (Variation ID: 202099). An algorithm developed to predict the effect of missense changes on protein structure and function (PolyPhen-2) suggests that this variant is likely to be disruptive. In summary, the available evidence is currently insufficient to determine the role of this variant in disease. Therefore, it has been classified as a Variant of Uncertain Significance.

GeneDx
Classification: Likely pathogenic. Last evaluated: 2011-08-25. Review status: criteria provided, single submitter. Criteria: GeneDx Variant Classification (06012015). Collection method: clinical testing. Allele origin: germline. Affected: yes.
Comment: The His77Arg variant in the TAZ gene has not been reported previously as a pathogenic variant nor as a benign polymorphism, to our knowledge. Although His77Arg results in a conservative substitution of one positively charged amino acid for another, the His77 residue is highly conserved across species. In silico analysis predicts His77Arg is probably damaging to the protein structure/function (Adzhubei IA et al.). Mutations in nearby codons (Ser71Pro, Gly80Glu, Leu82Pro) have been reported in an external variant database, supporting the functional importance of this region of the protein. In addition, the His77Arg variant was not detected in up to 400 alleles from control individuals of Caucasian and African American ancestry tested at GeneDx, indicating it is not a common benign variant in these populations. In summary, while the His77Arg variant in the TAZ gene is a good candidate for a pathogenic variant, we cannot unequivocally determine the clinical significance of this variant with the clinical and molecular information available at this time.